The following is an entry in ClinVar:

ClinVar aggregate classification (germline): Uncertain significance (1 of 4 stars; one submission).

Conditions:
Pityriasis rubra pilaris (PRP). Also called: Pityriasis rubra pilaris--familial type. Identifiers: Orphanet 2897, MedGen C0032027, MONDO:0100017, OMIM 173200, MONDO:0008251.
Psoriasis 2. Identifiers: MedGen C1864497, MONDO:0011269, OMIM 602723.

Submission:

Labcorp Genetics (formerly Invitae), Labcorp
Classification: Uncertain significance for Pityriasis rubra pilaris; Psoriasis 2. Last evaluated: 2024-05-10. Review status: criteria provided, single submitter. Criteria: Invitae Variant Classification Sherloc (09022015). Collection method: clinical testing. Allele origin: germline.
Comment: This sequence change creates a premature translational stop signal (p.Arg785Leufs*57) in the CARD14 gene. It is expected to result in an absent or disrupted protein product. However, the current clinical and genetic evidence is not sufficient to establish whether loss-of-function variants in CARD14 cause disease. This variant is not present in population databases (gnomAD no frequency). This variant has not been reported in the literature in individuals affected with CARD14-related conditions. In summary, the available evidence is currently insufficient to determine the role of this variant in disease. Therefore, it has been classified as a Variant of Uncertain Significance.

NM_001366385.1(CARD14):c.2354del (p.Arg785fs)

Genes: CARD14 (caspase recruitment domain family member 14; plus strand), SGSH (N-sulfoglucosamine sulfohydrolase; minus strand). Cytogenetic location: 17q25.3.
Variant type: Deletion.
Coding change: c.2354del on transcript NM_001366385.1 (MANE Select); coding-DNA position 2354, one base deleted (G; older notation c.2354delG).
Protein change: p.Arg785fs; shifts the reading frame from arginine 785.
Molecular consequence: frameshift variant. On other transcripts: non-coding transcript variant (1).
Genome position (GRCh38, 1-based): chr17:80,204,297, G deleted. VCF-style (leftmost placement, unchanged base first): chr17-80204296-CG-C. GRCh37 (hg19) VCF-style: chr17-78178095-CG-C.
Other names: c.2354del, p.Arg785fs (NM_024110.4); short protein forms R785fs.
Identifiers: ClinVar variation 3756243 (VCV003756243.2).